The following is an entry in ClinVar:

NM_001020658.2(PUM1):c.301G>A (p.Gly101Ser)

Gene: PUM1 (pumilio RNA binding family member 1; minus strand). Cytogenetic location: 1p35.2.
Variant type: single nucleotide variant.
Coding change: c.301G>A on transcript NM_001020658.2 (MANE Select); coding-DNA position 301, G replaced by A.
Protein change: p.Gly101Ser; replaces glycine 101 with serine.
Molecular consequence: missense variant.
Genome position (GRCh38, 1-based): chr1:31,059,266, C>T on the plus strand (G>A on the coding strand, the complement: PUM1 is on the minus strand). VCF-style: chr1-31059266-C-T. GRCh37 (hg19) VCF-style: chr1-31532113-C-T.
Other names: c.301G>A, p.Gly101Ser (NM_014676.3); short protein forms G101S.
Identifiers: ClinVar variation 2570718 (VCV002570718.27), dbSNP rs921795174, ClinGen allele CA20123742.

ClinVar aggregate classification (germline): Uncertain significance (1 of 4 stars; one submission).

Allele frequency attached by ClinVar (database versions not stated): gnomAD 0.00002; TOPMed 0.00002; gnomAD exomes 0.00003.
gnomAD v4.1: 50 of 1,613,434 alleles (0.0031%); highest among the groups gnomAD compares: Non-Finnish European, 0.0042%; no homozygotes.

Submission:

CeGaT Center for Human Genetics Tuebingen
Classification: Uncertain significance. Last evaluated: 2023-05-01. Review status: criteria provided, single submitter. Criteria: CeGaT Center For Human Genetics Tuebingen Variant Classification Criteria Version 2. Collection method: clinical testing. Allele origin: germline. Affected: yes. Observed: 1 variant allele.
Comment: PUM1: PM2, PP2